The following is an entry in ClinVar:

ClinVar aggregate classification (germline): Pathogenic/Likely pathogenic. Review status: criteria provided, multiple submitters, no conflicts (2 of 4 stars). 2 submissions from 2 submitters: Pathogenic (1); Likely pathogenic (1). Last evaluated 2025-07-01.

Conditions:
Neurofibromatosis, type 1 (NF1). Also called: NEUROFIBROMATOSIS, TYPE I, SOMATIC; Peripheral type neurofibromatosis; VON RECKLINGHAUSEN DISEASE; Neurofibromatosis, type I. Identifiers: Orphanet 636, MedGen C0027831, MONDO:0018975, OMIM 162200. Disease mechanism: loss of function.

Submissions (2):

GeneDx
Classification: Likely pathogenic. Last evaluated: 2025-07-01. Review status: criteria provided, single submitter. Criteria: GeneDx Variant Classification Process June 2021. Collection method: clinical testing. Allele origin: germline. Affected: yes.
Comment: Not observed at significant frequency in large population cohorts (gnomAD); In silico analysis supports that this missense variant has a deleterious effect on protein structure/function; This variant is associated with the following publications: (PMID: 33726816, 34694046, 40225167, 23913538, 31776437)

Labcorp Genetics (formerly Invitae), Labcorp
Classification: Pathogenic for Neurofibromatosis, type 1. Last evaluated: 2025-03-16. Review status: criteria provided, single submitter. Criteria: Invitae Variant Classification Sherloc (09022015). Collection method: clinical testing. Allele origin: germline.
Comment: This sequence change replaces aspartic acid, which is acidic and polar, with glycine, which is neutral and non-polar, at codon 1623 of the NF1 protein (p.Asp1623Gly). This variant is not present in population databases (gnomAD no frequency). This missense change has been observed in individual(s) with clinical features of neurofibromatosis type 1 (PMID: 23913538; internal data). In at least one individual the variant was observed to be de novo. ClinVar contains an entry for this variant (Variation ID: 1002110). Invitae Evidence Modeling of protein sequence and biophysical properties (such as structural, functional, and spatial information, amino acid conservation, physicochemical variation, residue mobility, and thermodynamic stability) indicates that this missense variant is expected to disrupt NF1 protein function with a positive predictive value of 95%. For these reasons, this variant has been classified as Pathogenic.

Literature cited by the submitters: PubMed 23913538 (cited by Labcorp Genetics (formerly Invitae), Labcorp).

NM_001042492.3(NF1):c.4931A>G (p.Asp1644Gly)

Gene: NF1 (neurofibromin 1; plus strand). Cytogenetic location: 17q11.2.
Variant type: single nucleotide variant.
Coding change: c.4931A>G on transcript NM_001042492.3 (MANE Select); coding-DNA position 4931, A replaced by G.
Protein change: p.Asp1644Gly; replaces aspartic acid 1644 with glycine.
Molecular consequence: missense variant.
Genome position (GRCh38, 1-based): chr17:31,325,915, A>G. VCF-style: chr17-31325915-A-G. GRCh37 (hg19) VCF-style: chr17-29652933-A-G.
Other names: c.4868A>G, p.Asp1623Gly (NM_000267.4); short protein forms D1623G, D1644G.
Identifiers: ClinVar variation 1002110 (VCV001002110.6), dbSNP rs2069327949, ClinGen allele CA399007135.